The following is an entry in ClinVar:

ClinVar aggregate classification (germline): Uncertain significance (1 of 4 stars; one submission).

Submission:

GeneDx
Classification: Uncertain significance. Last evaluated: 2024-10-09. Review status: criteria provided, single submitter. Criteria: GeneDx Variant Classification Process June 2021. Collection method: clinical testing. Allele origin: germline. Affected: yes.
Comment: Not observed at significant frequency in large population cohorts (gnomAD); In silico analysis supports that this missense variant has a deleterious effect on protein structure/function; Has not been previously published as pathogenic or benign to our knowledge

NM_001109878.2(TBX22):c.1454T>C (p.Leu485Pro)

Gene: TBX22 (T-box transcription factor 22). Cytogenetic location: Xq21.1.
Variant type: single nucleotide variant.
Coding change: c.1454T>C on transcript NM_001109878.2 (MANE Select); coding-DNA position 1454, T replaced by C.
Protein change: p.Leu485Pro; replaces leucine 485 with proline.
Molecular consequence: missense variant.
Genome position (GRCh38, 1-based): chrX:80,031,002, T>C. VCF-style: chrX-80031002-T-C. GRCh37 (hg19) VCF-style: chrX-79286501-T-C.
Other names: c.1094T>C, p.Leu365Pro (NM_001109879.2, NM_001303475.1); c.1454T>C, p.Leu485Pro (NM_016954.2); short protein forms L365P, L485P.
Identifiers: ClinVar variation 3777347 (VCV003777347.1).